The following is an entry in ClinVar:

ClinVar aggregate classification (germline): Uncertain significance. Review status: criteria provided, multiple submitters, no conflicts (2 of 4 stars). 2 submissions from 2 submitters: Uncertain significance (2). Last evaluated 2025-08-20.

Conditions:
Developmental and epileptic encephalopathy, 12 (DEE12). Identifiers: MedGen C3150988, MONDO:0013389, OMIM 613722.
Inborn genetic diseases. Identifiers: MedGen C0950123, MeSH D030342.

Allele frequency attached by ClinVar (database versions not stated): TOPMed 0.00004.
gnomAD v4.1: 80 of 1,609,984 alleles (0.005%); highest among the groups gnomAD compares: Non-Finnish European, 0.0067%; no homozygotes.

Submissions (2):

Ambry Genetics
Classification: Uncertain significance for Inborn genetic diseases. Last evaluated: 2025-08-20. Review status: criteria provided, single submitter. Criteria: Ambry Variant Classification Scheme 2023. Collection method: clinical testing. Allele origin: germline.

Labcorp Genetics (formerly Invitae), Labcorp
Classification: Uncertain significance for Developmental and epileptic encephalopathy, 12. Last evaluated: 2022-03-19. Review status: criteria provided, single submitter. Criteria: Invitae Variant Classification Sherloc (09022015). Collection method: clinical testing. Allele origin: germline.
Comment: This sequence change replaces methionine, which is neutral and non-polar, with leucine, which is neutral and non-polar, at codon 525 of the PLCB1 protein (p.Met525Leu). The frequency data for this variant in the population databases is considered unreliable, as metrics indicate poor data quality at this position in the gnomAD database. This variant has not been reported in the literature in individuals affected with PLCB1-related conditions. ClinVar contains an entry for this variant (Variation ID: 945461). Algorithms developed to predict the effect of missense changes on protein structure and function (SIFT, PolyPhen-2, Align-GVGD) all suggest that this variant is likely to be tolerated. In summary, the available evidence is currently insufficient to determine the role of this variant in disease. Therefore, it has been classified as a Variant of Uncertain Significance.

NM_015192.4(PLCB1):c.1573A>T (p.Met525Leu)

Gene: PLCB1 (phospholipase C beta 1; plus strand). Cytogenetic location: 20p12.3.
Variant type: single nucleotide variant.
Coding change: c.1573A>T on transcript NM_015192.4 (MANE Select); coding-DNA position 1573, A replaced by T.
Protein change: p.Met525Leu; replaces methionine 525 with leucine.
Molecular consequence: missense variant.
Genome position (GRCh38, 1-based): chr20:8,722,413, A>T. VCF-style: chr20-8722413-A-T. GRCh37 (hg19) VCF-style: chr20-8703060-A-T.
Other names: c.1573A>T (NM_015192.2); c.1573A>T, p.Met525Leu (NM_182734.3); short protein forms M525L.
Identifiers: ClinVar variation 945461 (VCV000945461.6), dbSNP rs138851178, ClinGen allele CA408203006.